The following is an entry in ClinVar:

NM_001134407.3(GRIN2A):c.285C>T (p.Ile95=)

Gene: GRIN2A (glutamate ionotropic receptor NMDA type subunit 2A; minus strand). Cytogenetic location: 16p13.2.
Variant type: single nucleotide variant.
Coding change: c.285C>T on transcript NM_001134407.3 (MANE Select); coding-DNA position 285, C replaced by T.
Protein change: p.Ile95=; no amino-acid change (isoleucine 95 retained).
Molecular consequence: synonymous variant.
Genome position (GRCh38, 1-based): chr16:10,180,127, G>A on the plus strand (C>T on the coding strand, the complement: GRIN2A is on the minus strand). VCF-style: chr16-10180127-G-A. GRCh37 (hg19) VCF-style: chr16-10273984-G-A.
Other names: c.285C>T, p.Ile95= (NM_000833.5, NM_001134408.2).
Identifiers: ClinVar variation 1625261 (VCV001625261.12), dbSNP rs756116240, ClinGen allele CA7897009.

ClinVar aggregate classification (germline): Likely benign. Review status: criteria provided, multiple submitters, no conflicts (2 of 4 stars). 2 submissions from 2 submitters: Likely benign (2). Last evaluated 2026-09-01.

Conditions:
Landau-Kleffner syndrome (FESD). Also called: EPILEPSY, FOCAL, WITH SPEECH DISORDER AND WITH OR WITHOUT MENTAL RETARDATION; APHASIA, ACQUIRED, WITH EPILEPSY. Identifiers: Orphanet 1945, Orphanet 725, Orphanet 98818, MedGen C0282512, MONDO:0009509, OMIM 245570.

Allele frequency attached by ClinVar (database versions not stated): gnomAD exomes below 0.00001 and 0.00001; ExAC 0.00001; gnomAD 0.00001; TOPMed 0.00001.
gnomAD v4.1: 16 of 1,614,102 alleles (0.00099%); highest among the groups gnomAD compares: Non-Finnish European, 0.0014%; no homozygotes.

Submissions (2):

CeGaT Center for Human Genetics Tuebingen
Classification: Likely benign. Last evaluated: 2026-09-01. Review status: criteria provided, single submitter. Criteria: CeGaT Center For Human Genetics Tuebingen Variant Classification Criteria Version 2. Collection method: clinical testing. Allele origin: germline. Affected: yes. Observed: 2 variant alleles.
Comment: GRIN2A: BP4

Labcorp Genetics (formerly Invitae), Labcorp
Classification: Likely benign for Landau-Kleffner syndrome. Last evaluated: 2024-09-04. Review status: criteria provided, single submitter. Criteria: Invitae Variant Classification Sherloc (09022015). Collection method: clinical testing. Allele origin: germline.